The following is an entry in ClinVar:

NM_024675.4(PALB2):c.3114-40T>G

Gene: PALB2 (partner and localizer of BRCA2; minus strand). Cytogenetic location: 16p12.2.
Variant type: single nucleotide variant.
Coding change: c.3114-40T>G on transcript NM_024675.4 (MANE Select); 40 bases into the intron before coding-DNA position 3114, T replaced by G.
Molecular consequence: intron variant.
Genome position (GRCh38, 1-based): chr16:23,614,131, A>C on the plus strand (T>G on the coding strand, the complement: PALB2 is on the minus strand). VCF-style: chr16-23614131-A-C. GRCh37 (hg19) VCF-style: chr16-23625452-A-C.
Identifiers: ClinVar variation 126712 (VCV000126712.3), dbSNP rs515726105, ClinGen allele CA269598.
Genomic context (GRCh38, chr16:23,614,131, plus strand): 5'-AGTTGACCAGTTTTTAAATTCCTTAGATAACAAAAATAAATAAGCTGATCACATTCTTCC[A>C]ACAAACCAGTTTTCAGAAAATATTTTCTTATTCATCATAGCATGTCTTAGGAGGTGACCA-3'

ClinVar aggregate classification (germline): Likely benign (0 of 4 stars; one submission).

Conditions:
Familial cancer of breast. Also called: BREAST CANCER, FAMILIAL; hereditary breast carcinoma; Hereditary breast cancer. Identifiers: Orphanet 227535, MedGen C0346153, MONDO:0016419, OMIM 114480. Disease mechanism: loss of function.

Allele frequency attached by ClinVar (database versions not stated): gnomAD exomes 0.00001; TOPMed 0.00008; gnomAD 0.00009; 1000 Genomes Project 30x 0.00016; 1000 Genomes Project 0.00020.
gnomAD v4.1: 16 of 1,412,944 alleles (0.0011%); highest among the groups gnomAD compares: African/African-American, 0.023%; no homozygotes.

Submission:

Leiden Open Variation Database
Classification: Likely benign for Familial cancer of breast. Last evaluated: 2019-05-13. Review status: no assertion criteria provided. Collection method: curation. Allele origin: germline. Affected: yes.
Comment: Curators: Marc Tischkowitz, Arleen D. Auerbach. Submitter to LOVD: Marc Tischkowitz.

Literature cited by the submitters: PubMed 21932393.